The following is an entry in ClinVar:

NM_152490.5(B3GALNT2):c.952GAT[1] (p.Asp319del)

Gene: B3GALNT2 (beta-1,3-N-acetylgalactosaminyltransferase 2; minus strand). Cytogenetic location: 1q42.3.
Variant type: Microsatellite.
Coding change: c.952GAT[1] on transcript NM_152490.5 (MANE Select); one copy of the 3-base unit GAT starting at c.952; the reference has two copies in a row; one copy, 3 bases deleted.
Protein change: p.Asp319del; deletes aspartic acid 319.
Molecular consequence: inframe deletion.
Genome position (GRCh38, 1-based): chr1:235,458,671-235,458,673, ATC deleted on the plus strand (GAT on the coding strand, the reverse complement: B3GALNT2 is on the minus strand); deleting any 3 consecutive bases within chr1:235,458,671-235,458,678 gives the same sequence; the position shown is the placement nearest the transcript's 3' end. VCF-style (leftmost placement, unchanged base first): chr1-235458670-TATC-T. GRCh37 (hg19) VCF-style: chr1-235621978-TATC-T.
Other names: short protein forms D319del.
Identifiers: ClinVar variation 2155288 (VCV002155288.4), dbSNP rs2527167603, ClinGen allele CA2573106046.

ClinVar aggregate classification (germline): Uncertain significance (1 of 4 stars; one submission).

Conditions:
Muscular dystrophy-dystroglycanopathy (congenital with brain and eye anomalies), type a, 11 (MDDGA11). Also called: WALKER-WARBURG SYNDROME OR MUSCLE-EYE-BRAIN DISEASE, B3GALNT2-RELATED; Congenital muscular dystrophy-dystroglycanopathy with brain and eye anomalies, type A11; Muscular dystrophy-dystroglycanopathy (congenital with brain and eye anomalies, type A, 11. Identifiers: Orphanet 588, Orphanet 899, MedGen C3554638, MONDO:0014071, OMIM 615181.

Submission:

Labcorp Genetics (formerly Invitae), Labcorp
Classification: Uncertain significance for Muscular dystrophy-dystroglycanopathy (congenital with brain and eye anomalies), type a, 11. Last evaluated: 2022-06-29. Review status: criteria provided, single submitter. Criteria: Invitae Variant Classification Sherloc (09022015). Collection method: clinical testing. Allele origin: germline.
Comment: This variant, c.955_957del, results in the deletion of 1 amino acid(s) of the B3GALNT2 protein (p.Asp319del), but otherwise preserves the integrity of the reading frame. This variant is not present in population databases (gnomAD no frequency). This variant has not been reported in the literature in individuals affected with B3GALNT2-related conditions. Experimental studies and prediction algorithms are not available or were not evaluated, and the functional significance of this variant is currently unknown. In summary, the available evidence is currently insufficient to determine the role of this variant in disease. Therefore, it has been classified as a Variant of Uncertain Significance.